The following is an entry in ClinVar:

NM_014140.4(SMARCAL1):c.1173A>G (p.Gln391=)

Gene: SMARCAL1 (SNF2 related chromatin remodeling annealing helicase 1; plus strand). Cytogenetic location: 2q35.
Variant type: single nucleotide variant.
Coding change: c.1173A>G on transcript NM_014140.4 (MANE Select); coding-DNA position 1173, A replaced by G.
Protein change: p.Gln391=; no amino-acid change (glutamine 391 retained).
Molecular consequence: synonymous variant.
Genome position (GRCh38, 1-based): chr2:216,428,621, A>G. VCF-style: chr2-216428621-A-G. GRCh37 (hg19) VCF-style: chr2-217293344-A-G.
Other names: p.Gln391=; c.1173A>G, p.Gln391= (NM_001127207.2).
Identifiers: ClinVar variation 3585601 (VCV003585601.3).

ClinVar aggregate classification (germline): Conflicting classifications of pathogenicity. Review status: criteria provided, conflicting classifications (1 of 4 stars). 3 submissions from 3 submitters: Uncertain significance (2); Likely benign (1). Last evaluated 2025-07-15.

Conditions:
Schimke immuno-osseous dysplasia (SIOD). Also called: Schimke Immunoosseous Dysplasia. Identifiers: Orphanet 1830, MedGen C0877024, MONDO:0009458, OMIM 242900.

gnomAD v4.1: 5 of 1,614,012 alleles (0.00031%); highest among the groups gnomAD compares: East Asian, 0.011%; no homozygotes.

Submissions (3):

Mayo Clinic Laboratories, Mayo Clinic
Classification: Likely benign. Last evaluated: 2025-07-15. Review status: criteria provided, single submitter. Criteria: ACMG Guidelines, 2015. Collection method: clinical testing. Allele origin: germline. Observed: 1 variant allele.
Comment: BP4, BP7, PM2_supporting

Fulgent Genetics
Classification: Uncertain significance for Schimke immuno-osseous dysplasia. Last evaluated: 2024-06-12. Review status: criteria provided, single submitter. Criteria: ACMG Guidelines, 2015. Collection method: clinical testing. Allele origin: germline.

Blueprint Genetics
Classification: Uncertain significance. Last evaluated: 2018-03-19. Review status: criteria provided, single submitter. Criteria: ACMG Guidelines, 2015. Collection method: clinical testing. Allele origin: germline.